The following is an entry in ClinVar:

ClinVar aggregate classification (germline): Uncertain significance (1 of 4 stars; one submission).

Submission:

Labcorp Genetics (formerly Invitae), Labcorp
Classification: Uncertain significance. Last evaluated: 2022-02-23. Review status: criteria provided, single submitter. Criteria: Invitae Variant Classification Sherloc (09022015). Collection method: clinical testing. Allele origin: germline.
Comment: Algorithms developed to predict the effect of missense changes on protein structure and function are either unavailable or do not agree on the potential impact of this missense change (SIFT: "Tolerated"; PolyPhen-2: "Probably Damaging"; Align-GVGD: "Class C0"). In summary, the available evidence is currently insufficient to determine the role of this variant in disease. Therefore, it has been classified as a Variant of Uncertain Significance. This variant has not been reported in the literature in individuals affected with ADGRA3-related conditions. This variant is not present in population databases (gnomAD no frequency). This sequence change replaces leucine, which is neutral and non-polar, with isoleucine, which is neutral and non-polar, at codon 1115 of the ADGRA3 protein (p.Leu1115Ile).

NM_145290.4(ADGRA3):c.3343T>A (p.Leu1115Ile)

Gene: ADGRA3 (adhesion G protein-coupled receptor A3; minus strand). Cytogenetic location: 4p15.2.
Variant type: single nucleotide variant.
Coding change: c.3343T>A on transcript NM_145290.4 (MANE Select); coding-DNA position 3343, T replaced by A.
Protein change: p.Leu1115Ile; replaces leucine 1115 with isoleucine.
Molecular consequence: missense variant.
Genome position (GRCh38, 1-based): chr4:22,388,328, A>T on the plus strand (T>A on the coding strand, the complement: ADGRA3 is on the minus strand). VCF-style: chr4-22388328-A-T. GRCh37 (hg19) VCF-style: chr4-22389951-A-T.
Other names: short protein forms L1115I.
Identifiers: ClinVar variation 1515510 (VCV001515510.8), dbSNP rs947300211, ClinGen allele CA356472910.
Genomic context (GRCh38, chr4:22,388,328, plus strand): 5'-TGGAGTTCAAAGGTAAAGAATTGGCATGGCACTGAGCTGCAGCCGCCTGCAAGTTTGTTA[A>T]TTTGCAGCCCTGGGAGGAATTTTTGAAGCTTGAAGCACTTTTGTTTGTGCATGAAGACTC-3'
Protein context (NP_660333.2, residues 1105-1125): SFKNSSQGCK[Leu1115Ile]TNLQAAAAQC